The following is an entry in ClinVar:

ClinVar aggregate classification (germline): Uncertain significance (1 of 4 stars; one submission).

Submission:

Labcorp Genetics (formerly Invitae), Labcorp
Classification: Uncertain significance. Last evaluated: 2022-06-20. Review status: criteria provided, single submitter. Criteria: Invitae Variant Classification Sherloc (09022015). Collection method: clinical testing. Allele origin: germline.
Comment: In summary, the available evidence is currently insufficient to determine the role of this variant in disease. Therefore, it has been classified as a Variant of Uncertain Significance. Algorithms developed to predict the effect of missense changes on protein structure and function (SIFT, PolyPhen-2, Align-GVGD) all suggest that this variant is likely to be disruptive. This variant has not been reported in the literature in individuals affected with CTF1-related conditions. The frequency data for this variant in the population databases is considered unreliable, as metrics indicate insufficient coverage at this position in the gnomAD database. This sequence change replaces leucine, which is neutral and non-polar, with valine, which is neutral and non-polar, at codon 122 of the CTF1 protein (p.Leu122Val).

NM_001330.5(CTF1):c.364C>G (p.Leu122Val)

Genes: CTF1 (cardiotrophin 1; plus strand), LOC130058878 (ATAC-STARR-seq lymphoblastoid silent region 7400; plus strand). Cytogenetic location: 16p11.2.
Variant type: single nucleotide variant.
Coding change: c.364C>G on transcript NM_001330.5 (MANE Select); coding-DNA position 364, C replaced by G.
Protein change: p.Leu122Val; replaces leucine 122 with valine.
Molecular consequence: missense variant. On other transcripts: non-coding transcript variant (1).
Genome position (GRCh38, 1-based): chr16:30,902,297, C>G. VCF-style: chr16-30902297-C-G. GRCh37 (hg19) VCF-style: chr16-30913618-C-G.
Other names: c.361C>G, p.Leu121Val (NM_001142544.3); short protein forms L121V, L122V.
Identifiers: ClinVar variation 2145133 (VCV002145133.4), dbSNP rs1384722765, ClinGen allele CA395618972.